The following is an entry in ClinVar:

NM_013266.4(CTNNA3):c.772G>A (p.Gly258Arg)

Gene: CTNNA3 (catenin alpha 3; minus strand). Cytogenetic location: 10q21.3.
Variant type: single nucleotide variant.
Coding change: c.772G>A on transcript NM_013266.4 (MANE Select); coding-DNA position 772, G replaced by A.
Protein change: p.Gly258Arg; replaces glycine 258 with arginine.
Molecular consequence: missense variant.
Genome position (GRCh38, 1-based): chr10:67,219,678, C>T on the plus strand (G>A on the coding strand, the complement: CTNNA3 is on the minus strand). VCF-style: chr10-67219678-C-T. GRCh37 (hg19) VCF-style: chr10-68979436-C-T.
Other names: c.772G>A, p.Gly258Arg (NM_001127384.3); c.808G>A, p.Gly270Arg (NM_001291133.2); short protein forms G258R, G270R.
Identifiers: ClinVar variation 1487016 (VCV001487016.9), dbSNP rs1485287209, ClinGen allele CA377097289.

ClinVar aggregate classification (germline): Uncertain significance. Review status: criteria provided, multiple submitters, no conflicts (2 of 4 stars). 2 submissions from 2 submitters: Uncertain significance (2). Last evaluated 2025-09-11.

Conditions:
Arrhythmogenic right ventricular dysplasia 13. Also called: Arrhythmogenic right ventricular dysplasia, familial, 13; ARRHYTHMOGENIC RIGHT VENTRICULAR CARDIOMYOPATHY 13. Identifiers: MedGen C3810138, MONDO:0000908, OMIM 615616.

Allele frequency attached by ClinVar (database versions not stated): gnomAD exomes below 0.00001 and 0.00002.
gnomAD v4.1: 23 of 1,614,128 alleles (0.0014%); highest among the groups gnomAD compares: Non-Finnish European, 0.0019%; no homozygotes.

Submissions (2):

Ambry Genetics
Classification: Uncertain significance. Last evaluated: 2025-09-11. Review status: criteria provided, single submitter. Criteria: Ambry Variant Classification Scheme 2023. Collection method: clinical testing. Allele origin: germline.

Labcorp Genetics (formerly Invitae), Labcorp
Classification: Uncertain significance for Arrhythmogenic right ventricular dysplasia 13. Last evaluated: 2022-03-17. Review status: criteria provided, single submitter. Criteria: Invitae Variant Classification Sherloc (09022015). Collection method: clinical testing. Allele origin: germline.
Comment: This sequence change replaces glycine, which is neutral and non-polar, with arginine, which is basic and polar, at codon 258 of the CTNNA3 protein (p.Gly258Arg). This variant is present in population databases (no rsID available, gnomAD 0.0009%). This variant has not been reported in the literature in individuals affected with CTNNA3-related conditions. Algorithms developed to predict the effect of missense changes on protein structure and function are either unavailable or do not agree on the potential impact of this missense change (SIFT: "Deleterious"; PolyPhen-2: "Probably Damaging"; Align-GVGD: "Class C0"). Algorithms developed to predict the effect of sequence changes on RNA splicing suggest that this variant may create or strengthen a splice site. In summary, the available evidence is currently insufficient to determine the role of this variant in disease. Therefore, it has been classified as a Variant of Uncertain Significance.